The following is an entry in ClinVar:

NM_003970.4(MYOM2):c.2100C>T (p.Asp700=)

Gene: MYOM2 (myomesin 2; plus strand). Cytogenetic location: 8p23.3.
Variant type: single nucleotide variant.
Coding change: c.2100C>T on transcript NM_003970.4 (MANE Select); coding-DNA position 2100, C replaced by T.
Protein change: p.Asp700=; no amino-acid change (aspartic acid 700 retained).
Molecular consequence: synonymous variant.
Genome position (GRCh38, 1-based): chr8:2,094,066, C>T. VCF-style: chr8-2094066-C-T. GRCh37 (hg19) VCF-style: chr8-2041893-C-T.
Identifiers: ClinVar variation 3049262 (VCV003049262.2), dbSNP rs1052447579, ClinGen allele CA170456686.
Genomic context (GRCh38, chr8:2,094,066, plus strand): 5'-CATCTTCCGAGTCAAGGCGGTCAATGCTGTGGGGATGAGTGAAAATTCCCAGGAATCAGA[C>T]GTCATAAAAGTGCAGGCCGCACTCAGTAAGTCACTCACAGGCTGTTGTGTGCCGATTGCT-3'
Protein context (NP_003961.3, residues 690-710): VGMSENSQES[Asp700=]VIKVQAALTV

ClinVar aggregate classification (germline): Likely benign (0 of 4 stars; one submission).

Conditions:
MYOM2-related disorder. Also called: MYOM2-related condition.

Allele frequency attached by ClinVar (database versions not stated): gnomAD 0.00001; gnomAD exomes 0.00002.
gnomAD v4.1: 30 of 1,614,028 alleles (0.0019%); highest among the groups gnomAD compares: East Asian, 0.022%; no homozygotes.

Submission:

PreventionGenetics, part of Exact Sciences
Classification: Likely benign for MYOM2-related condition. Last evaluated: 2019-11-18. Review status: no assertion criteria provided. Collection method: clinical testing. Allele origin: germline.
Comment: This variant is classified as likely benign based on ACMG/AMP sequence variant interpretation guidelines (Richards et al. 2015 PMID: 25741868, with internal and published modifications).